The following is an entry in ClinVar:

ClinVar aggregate classification (germline): Likely benign. Review status: criteria provided, multiple submitters, no conflicts (2 of 4 stars). 3 submissions from 3 submitters: Likely benign (2). 1 of the submissions does not count toward it. Last evaluated 2026-02-02.

Conditions:
Inborn genetic diseases. Identifiers: MedGen C0950123, MeSH D030342.
ASPA-related disorder. Also called: ASPA-related condition.
Spongy degeneration of central nervous system. Also called: ACY2 DEFICIENCY; AMINOACYLASE 2 DEFICIENCY; ASP DEFICIENCY; ASPA DEFICIENCY; ASPARTOACYLASE DEFICIENCY; CANAVAN-VAN BOGAERT-BERTRAND DISEASE. Identifiers: Orphanet 141, MedGen C0206307, MONDO:0010079, OMIM 271900.

Allele frequency attached by ClinVar (database versions not stated): TOPMed 0.00004.
gnomAD v4.1: 53 of 1,611,052 alleles (0.0033%); highest among the groups gnomAD compares: Admixed American, 0.0067%; no homozygotes.

Submissions (3):

Labcorp Genetics (formerly Invitae), Labcorp
Classification: Likely benign for Spongy degeneration of central nervous system. Last evaluated: 2026-02-02. Review status: criteria provided, single submitter. Criteria: Invitae Variant Classification Sherloc (09022015). Collection method: clinical testing. Allele origin: germline.

Ambry Genetics
Classification: Likely benign for Inborn genetic diseases. Last evaluated: 2021-08-16. Review status: criteria provided, single submitter. Criteria: Ambry Variant Classification Scheme 2023. Collection method: clinical testing. Allele origin: germline.

PreventionGenetics, part of Exact Sciences
Classification: Likely benign for ASPA-related condition. Last evaluated: 2019-10-03. Review status: no assertion criteria provided. Collection method: clinical testing. Allele origin: germline. Not counted in ClinVar's aggregate classification.
Comment: This variant is classified as likely benign based on ACMG/AMP sequence variant interpretation guidelines (Richards et al. 2015 PMID: 25741868, with internal and published modifications).

NM_000049.4(ASPA):c.654C>T (p.Cys218=)

Genes: ASPA (aspartoacylase; plus strand), SPATA22 (spermatogenesis associated 22; minus strand). Cytogenetic location: 17p13.2.
Variant type: single nucleotide variant.
Coding change: c.654C>T on transcript NM_000049.4 (MANE Select); coding-DNA position 654, C replaced by T.
Protein change: p.Cys218=; no amino-acid change (cysteine 218 retained).
Molecular consequence: synonymous variant. On other transcripts: intron variant (2).
Genome position (GRCh38, 1-based): chr17:3,494,369, C>T. VCF-style: chr17-3494369-C-T. GRCh37 (hg19) VCF-style: chr17-3397663-C-T.
Other names: c.654C>T, p.Cys218= (NM_001128085.1); c.-74+19043G>A (NM_001321336.2, NM_001321337.2).
Identifiers: ClinVar variation 1082180 (VCV001082180.13), dbSNP rs104894549, ClinGen allele CA8289003.